The following is an entry in ClinVar:

NM_007059.4(KPTN):c.184dup (p.Ile62fs)

Gene: KPTN (kaptin, actin binding protein; minus strand). Cytogenetic location: 19q13.32.
Variant type: Duplication.
Coding change: c.184dup on transcript NM_007059.4 (MANE Select); coding-DNA position 184, one base duplicated (A; older notation c.184dupA).
Protein change: p.Ile62fs; shifts the reading frame from isoleucine 62.
Molecular consequence: frameshift variant. On other transcripts: non-coding transcript variant (1).
Genome position (GRCh38, 1-based): chr19:47,483,977, T duplicated on the plus strand (A on the coding strand, the reverse complement: KPTN is on the minus strand); the first of 4 consecutive T bases (chr19:47,483,977-47,483,980); duplicating any one gives the same sequence. VCF-style (leftmost placement, unchanged base first): chr19-47483976-A-AT. GRCh37 (hg19) VCF-style: chr19-47987233-A-AT.
Other names: c.184dup, p.Ile62fs (NM_001291296.2); c.184dupA (NM_007059.4); short protein forms I62fs.
Identifiers: ClinVar variation 1213440 (VCV001213440.13), dbSNP rs1243527780, ClinGen allele CA633486086.

ClinVar aggregate classification (germline): Pathogenic/Likely pathogenic. Review status: criteria provided, multiple submitters, no conflicts (2 of 4 stars). 5 submissions from 4 submitters: Pathogenic (2); Likely pathogenic (3). Last evaluated 2025-09-20.

Conditions:
Macrocephaly-developmental delay syndrome (MRT41). Also called: INTELLECTUAL DEVELOPMENTAL DISORDER, AUTOSOMAL RECESSIVE 41. Identifiers: Orphanet 397612, MedGen C3810225, MONDO:0014289, OMIM 615637.

Submissions (5):

Dasa
Classification: Likely pathogenic. Last evaluated: 2025-09-20. Review status: criteria provided, single submitter. Criteria: DASA Assertion Criteria. Collection method: clinical testing. Allele origin: germline.
Comment: NM_007059.4(KPTN):c.184dup (p.Ile62Asnfs*63) introduces a premature termination codon predicted to result in loss of normal protein function. Loss-of-function is an established mechanism of disease for this gene. The variant is present at low frequency in population datasets. Based on the available data, this variant is classified as likely pathogenic.

Labcorp Genetics (formerly Invitae), Labcorp
Classification: Pathogenic for Macrocephaly-developmental delay syndrome. Last evaluated: 2025-08-02. Review status: criteria provided, single submitter. Criteria: Invitae Variant Classification Sherloc (09022015). Collection method: clinical testing. Allele origin: germline.
Comment: This sequence change creates a premature translational stop signal (p.Ile62Asnfs*63) in the KPTN gene. It is expected to result in an absent or disrupted protein product. Loss-of-function variants in KPTN are known to be pathogenic (PMID: 24239382, 25847626). This variant is present in population databases (no rsID available, gnomAD 0.003%). This variant has not been reported in the literature in individuals affected with KPTN-related conditions. ClinVar contains an entry for this variant (Variation ID: 1213440). For these reasons, this variant has been classified as Pathogenic.

GeneDx
Classification: Pathogenic. Last evaluated: 2025-06-11. Review status: criteria provided, single submitter. Criteria: GeneDx Variant Classification Process June 2021. Collection method: clinical testing. Allele origin: germline. Affected: yes.
Comment: Frameshift variant predicted to result in protein truncation or nonsense mediated decay in a gene for which loss-of-function is a known mechanism of disease; Not observed at significant frequency in large population cohorts (gnomAD); Has not been previously published as pathogenic or benign to our knowledge

Laboratorio de Genetica e Diagnostico Molecular, Hospital Israelita Albert Einstein
Classification: Likely pathogenic for Macrocephaly-developmental delay syndrome. Last evaluated: 2023-05-24. Review status: criteria provided, single submitter. Criteria: ACMG Guidelines, 2015. Collection method: clinical testing. Allele origin: germline. Affected: yes.
Comment: ACMG classification criteria: PVS1 very strong, PM2 moderate

Laboratorio de Genetica e Diagnostico Molecular, Hospital Israelita Albert Einstein
Classification: Likely pathogenic. Last evaluated: 2019-10-04. Review status: criteria provided, single submitter. Criteria: ACMG Guidelines, 2015. Collection method: clinical testing. Allele origin: germline. Affected: yes.
Comment: ACMG classification criteria: PVS1, PM2

Literature cited by the submitters: PubMed 24239382 (cited by Labcorp Genetics (formerly Invitae), Labcorp); PubMed 25847626 (cited by Labcorp Genetics (formerly Invitae), Labcorp).